The following is an entry in ClinVar:

NM_001012301.4(ARSI):c.1154G>T (p.Arg385Leu)

Gene: ARSI (arylsulfatase family member I; minus strand). Cytogenetic location: 5q32.
Variant type: single nucleotide variant.
Coding change: c.1154G>T on transcript NM_001012301.4 (MANE Select); coding-DNA position 1154, G replaced by T.
Protein change: p.Arg385Leu; replaces arginine 385 with leucine.
Molecular consequence: missense variant.
Genome position (GRCh38, 1-based): chr5:150,297,770, C>A on the plus strand (G>T on the coding strand, the complement: ARSI is on the minus strand). VCF-style: chr5-150297770-C-A. GRCh37 (hg19) VCF-style: chr5-149677333-C-A.
Other names: short protein forms R385L.
Identifiers: ClinVar variation 1525002 (VCV001525002.6), dbSNP rs758238707, ClinGen allele CA361729262.

ClinVar aggregate classification (germline): Uncertain significance (1 of 4 stars; one submission).

Conditions:
Spastic paraplegia. Identifiers: MedGen C0037772, HP:0001258.

Submission:

Labcorp Genetics (formerly Invitae), Labcorp
Classification: Uncertain significance for Spastic paraplegia. Last evaluated: 2021-11-20. Review status: criteria provided, single submitter. Criteria: Invitae Variant Classification Sherloc (09022015). Collection method: clinical testing. Allele origin: germline.
Comment: In summary, the available evidence is currently insufficient to determine the role of this variant in disease. Therefore, it has been classified as a Variant of Uncertain Significance. Algorithms developed to predict the effect of missense changes on protein structure and function (SIFT, PolyPhen-2, Align-GVGD) all suggest that this variant is likely to be disruptive. This variant has not been reported in the literature in individuals affected with ARSI-related conditions. This variant is not present in population databases (gnomAD no frequency). This sequence change replaces arginine, which is basic and polar, with leucine, which is neutral and non-polar, at codon 385 of the ARSI protein (p.Arg385Leu).